The following is an entry in ClinVar:

NM_000553.6(WRN):c.2861A>T (p.Asp954Val)

Gene: WRN (WRN RecQ like helicase; plus strand). Cytogenetic location: 8p12.
Variant type: single nucleotide variant.
Coding change: c.2861A>T on transcript NM_000553.6 (MANE Select); coding-DNA position 2861, A replaced by T.
Protein change: p.Asp954Val; replaces aspartic acid 954 with valine.
Molecular consequence: missense variant.
Genome position (GRCh38, 1-based): chr8:31,132,400, A>T. VCF-style: chr8-31132400-A-T. GRCh37 (hg19) VCF-style: chr8-30989916-A-T.
Other names: short protein forms D954V.
Identifiers: ClinVar variation 2818140 (VCV002818140.3), dbSNP rs745491066, ClinGen allele CA4704871.
Genomic context (GRCh38, chr8:31,132,400, plus strand): 5'-TTCAAATGTTATTATTTTTATTTAGATTGGATCATTGCTATTCCATGGATGACTCAGAGG[A>T]TACATCCTGGGACTTTGGTCCACAAGCATTTAAGCTTTTGTCTGCTGTGGACATCTTAGG-3'
Protein context (NP_000544.2, residues 944-964): DHCYSMDDSE[Asp954Val]TSWDFGPQAF

ClinVar aggregate classification (germline): Uncertain significance (1 of 4 stars; one submission).

Conditions:
Werner syndrome (WRN). Identifiers: Orphanet 902, MedGen C0043119, MONDO:0010196, OMIM 277700.

Allele frequency attached by ClinVar (database versions not stated): ExAC 0.00001; gnomAD 0.00001.
gnomAD v4.1: 2 of 1,613,988 alleles (0.00012%); highest among the groups gnomAD compares: East Asian, 0.0045%; no homozygotes.

Submission:

Labcorp Genetics (formerly Invitae), Labcorp
Classification: Uncertain significance for Werner syndrome. Last evaluated: 2025-07-21. Review status: criteria provided, single submitter. Criteria: Invitae Variant Classification Sherloc (09022015). Collection method: clinical testing. Allele origin: germline.
Comment: This sequence change replaces aspartic acid, which is acidic and polar, with valine, which is neutral and non-polar, at codon 954 of the WRN protein (p.Asp954Val). This variant is present in population databases (rs745491066, gnomAD 0.01%). This variant has not been reported in the literature in individuals affected with WRN-related conditions. ClinVar contains an entry for this variant (Variation ID: 2818140). An algorithm developed to predict the effect of missense changes on protein structure and function (PolyPhen-2) suggests that this variant is likely to be tolerated. In summary, the available evidence is currently insufficient to determine the role of this variant in disease. Therefore, it has been classified as a Variant of Uncertain Significance.